The following is an entry in ClinVar:

NM_030662.4(MAP2K2):c.642G>T (p.Gly214=)

Gene: MAP2K2 (mitogen-activated protein kinase kinase 2; minus strand). Cytogenetic location: 19p13.3.
Variant type: single nucleotide variant.
Coding change: c.642G>T on transcript NM_030662.4 (MANE Select); coding-DNA position 642, G replaced by T.
Protein change: p.Gly214=; no amino-acid change (glycine 214 retained).
Molecular consequence: synonymous variant.
Genome position (GRCh38, 1-based): chr19:4,101,082, C>A on the plus strand (G>T on the coding strand, the complement: MAP2K2 is on the minus strand). VCF-style: chr19-4101082-C-A. GRCh37 (hg19) VCF-style: chr19-4101080-C-A.
Identifiers: ClinVar variation 3355101 (VCV003355101.2).

ClinVar aggregate classification (germline): Likely benign. Review status: criteria provided, single submitter (1 of 4 stars). 2 submissions from 2 submitters: Likely benign (1). 1 of the submissions does not count toward it. Last evaluated 2023-06-20.

Conditions:
MAP2K2-related disorder. Also called: MAP2K2-related condition.

Submissions (2):

Blueprint Genetics
Classification: Likely benign. Last evaluated: 2023-06-20. Review status: criteria provided, single submitter. Criteria: ACMG Guidelines, 2015. Collection method: clinical testing. Allele origin: germline.

PreventionGenetics, part of Exact Sciences
Classification: Likely benign for MAP2K2-related condition. Last evaluated: 2024-09-11. Review status: no assertion criteria provided. Collection method: clinical testing. Allele origin: germline. Not counted in ClinVar's aggregate classification.
Comment: This variant is classified as likely benign based on ACMG/AMP sequence variant interpretation guidelines (Richards et al. 2015 PMID: 25741868, with internal and published modifications).